The following is an entry in ClinVar:

ClinVar aggregate classification (germline): Conflicting classifications of pathogenicity. Review status: criteria provided, conflicting classifications (1 of 4 stars). 7 submissions from 7 submitters: Uncertain significance (6); Likely benign (1). Last evaluated 2026-03-19.

Conditions:
ADGRV1-related disorder. Also called: ADGRV1-related disorders; ADGRV1-related condition.
Inborn genetic diseases. Identifiers: MedGen C0950123, MeSH D030342.
Febrile seizures, familial, 4 (FEB4). Also called: CONVULSIONS, FAMILIAL FEBRILE, 4. Identifiers: MedGen C1858493, MONDO:0011443, OMIM 604352.
Usher syndrome type 2C. Also called: USHER SYNDROME, TYPE IIC; Usher syndrome, type 2B. Identifiers: Orphanet 231178, Orphanet 886, MedGen C2931213, MONDO:0011558, OMIM 605472.

Allele frequency attached by ClinVar (database versions not stated): ExAC 0.00006; gnomAD exomes 0.00008 and 0.00028; gnomAD 0.00009 and 0.00010; TOPMed 0.00012; ESP Exome Variant Server 0.00017.
gnomAD v4.1: 405 of 1,568,360 alleles (0.026%); highest among the groups gnomAD compares: Non-Finnish European, 0.034%; 1 homozygote.

Submissions (7):

PreventionGenetics, part of Exact Sciences
Classification: Uncertain significance for ADGRV1-related condition. Last evaluated: 2026-03-19. Review status: criteria provided, single submitter. Criteria: ACMG Guidelines, 2015. Collection method: clinical testing. Allele origin: germline.
Comment: The ADGRV1 c.8295G>T variant is predicted to result in the amino acid substitution p.Leu2765Phe. To our knowledge, this variant has not been reported in the literature. This variant is reported in 0.016% of alleles in individuals of European (Non-Finnish) descent in gnomAD. At this time, the clinical significance of this variant is uncertain due to the absence of conclusive functional and genetic evidence.

Labcorp Genetics (formerly Invitae), Labcorp
Classification: Likely benign. Last evaluated: 2026-01-24. Review status: criteria provided, single submitter. Criteria: Invitae Variant Classification Sherloc (09022015). Collection method: clinical testing. Allele origin: germline.

Ambry Genetics
Classification: Uncertain significance for Inborn genetic diseases. Last evaluated: 2025-09-28. Review status: criteria provided, single submitter. Criteria: Ambry Variant Classification Scheme 2023. Collection method: clinical testing. Allele origin: germline.

Blueprint Genetics
Classification: Uncertain significance. Last evaluated: 2024-11-12. Review status: criteria provided, single submitter. Criteria: ACMG Guidelines, 2015. Collection method: clinical testing. Allele origin: germline.

Mayo Clinic Laboratories, Mayo Clinic
Classification: Uncertain significance. Last evaluated: 2022-08-16. Review status: criteria provided, single submitter. Criteria: ACMG Guidelines, 2015. Collection method: clinical testing. Allele origin: germline. Observed: 1 variant allele.
Comment: PM2_supporting

Fulgent Genetics
Classification: Uncertain significance for Febrile seizures, familial, 4; Usher syndrome type 2C. Last evaluated: 2021-07-30. Review status: criteria provided, single submitter. Criteria: ACMG Guidelines, 2015. Collection method: clinical testing. Allele origin: unknown.

Eurofins Ntd Llc (ga)
Classification: Uncertain significance. Last evaluated: 2015-06-23. Review status: criteria provided, single submitter. Criteria: EGL Classification Definitions 2015. Collection method: clinical testing. Allele origin: germline. Observed: 1 variant allele, 1 heterozygote.

NM_032119.4(ADGRV1):c.8295G>T (p.Leu2765Phe)

Gene: ADGRV1 (adhesion G protein-coupled receptor V1; plus strand). Cytogenetic location: 5q14.3.
Variant type: single nucleotide variant.
Coding change: c.8295G>T on transcript NM_032119.4 (MANE Select); coding-DNA position 8295, G replaced by T.
Protein change: p.Leu2765Phe; replaces leucine 2765 with phenylalanine.
Molecular consequence: missense variant. On other transcripts: non-coding transcript variant (1).
Genome position (GRCh38, 1-based): chr5:90,704,397, G>T. VCF-style: chr5-90704397-G-T. GRCh37 (hg19) VCF-style: chr5-90000214-G-T.
Other names: p.Leu2765Phe; short protein forms L2765F.
Identifiers: ClinVar variation 281460 (VCV000281460.17), dbSNP rs141681122, ClinGen allele CA3340227.